The following is an entry in ClinVar:

NM_001369.3(DNAH5):c.7388A>G (p.Gln2463Arg)

Gene: DNAH5 (dynein axonemal heavy chain 5; minus strand). Cytogenetic location: 5p15.2.
Variant type: single nucleotide variant.
Coding change: c.7388A>G on transcript NM_001369.3 (MANE Select); coding-DNA position 7388, A replaced by G.
Protein change: p.Gln2463Arg; replaces glutamine 2463 with arginine.
Molecular consequence: missense variant.
Genome position (GRCh38, 1-based): chr5:13,811,666, T>C on the plus strand (A>G on the coding strand, the complement: DNAH5 is on the minus strand). VCF-style: chr5-13811666-T-C. GRCh37 (hg19) VCF-style: chr5-13811775-T-C.
Other names: short protein forms Q2463R.
Identifiers: ClinVar variation 163142 (VCV000163142.37), dbSNP rs10078391, ClinGen allele CA175783.

ClinVar aggregate classification (germline): Benign/Likely benign. Review status: criteria provided, multiple submitters, no conflicts (2 of 4 stars). 12 submissions from 12 submitters: Benign (10); Likely benign (1). 1 of the submissions does not count toward it. Last evaluated 2026-02-04.

Conditions:
Primary ciliary dyskinesia. Also called: Ciliary dyskinesia. Identifiers: Orphanet 244, MedGen C0008780, MONDO:0016575, HP:0012265.
Primary ciliary dyskinesia 3. Identifiers: Orphanet 244, MedGen C1837618, MONDO:0012085, OMIM 608644.

Allele frequency attached by ClinVar (database versions not stated): ESP Exome Variant Server 0.20368; gnomAD 0.20605 and 0.20811; TOPMed 0.21244; gnomAD exomes 0.21447; ExAC 0.21489; 1000 Genomes Project 30x 0.25390; 1000 Genomes Project 0.26218.
gnomAD v4.1: 338,276 of 1,613,578 alleles (21%); highest among the groups gnomAD compares: East Asian, 50%; 38,153 homozygotes.

Submissions (12):

Labcorp Genetics (formerly Invitae), Labcorp
Classification: Benign for Primary ciliary dyskinesia. Last evaluated: 2026-02-04. Review status: criteria provided, single submitter. Criteria: Invitae Variant Classification Sherloc (09022015). Collection method: clinical testing. Allele origin: germline.

ARUP Laboratories, Molecular Genetics and Genomics, ARUP Laboratories
Classification: Benign for Primary ciliary dyskinesia 3. Last evaluated: 2025-06-24. Review status: criteria provided, single submitter. Criteria: ARUP Molecular Germline Variant Investigation Process 2024. Collection method: clinical testing. Allele origin: germline.

Blueprint Genetics
Classification: Likely benign. Last evaluated: 2024-11-26. Review status: criteria provided, single submitter. Criteria: ACMG Guidelines, 2015. Collection method: clinical testing. Allele origin: germline.

Mayo Clinic Laboratories, Mayo Clinic
Classification: Benign. Last evaluated: 2023-01-31. Review status: criteria provided, single submitter. Criteria: ACMG Guidelines, 2015. Collection method: clinical testing. Allele origin: germline. Observed: 89 variant alleles.
Comment: BA1

Pars Genome Lab
Classification: Benign for Primary ciliary dyskinesia 3. Last evaluated: 2021-06-15. Review status: criteria provided, single submitter. Criteria: ACMG Guidelines, 2015. Collection method: clinical testing. Allele origin: germline. Affected: no.

GeneDx
Classification: Benign. Last evaluated: 2018-11-10. Review status: criteria provided, single submitter. Criteria: GeneDx Variant Classification Process June 2021. Collection method: clinical testing. Allele origin: germline. Affected: yes.
Comment: This variant is associated with the following publications: (PMID: 27989800)

Illumina Laboratory Services, Illumina
Classification: Benign for Primary ciliary dyskinesia 3. Last evaluated: 2018-01-12. Review status: criteria provided, single submitter. Criteria: ICSL Variant Classification Criteria 13 December 2019. Collection method: clinical testing. Allele origin: germline.
Comment: This variant was observed in the ICSL laboratory as part of a predisposition screen in an ostensibly healthy population. It had not been previously curated by ICSL or reported in the Human Gene Mutation Database (HGMD: prior to June 1st, 2018), and was therefore a candidate for classification through an automated scoring system. Utilizing variant allele frequency, disease prevalence and penetrance estimates, and inheritance mode, an automated score was calculated to assess if this variant is too frequent to cause the disease. Based on the score and internal cut-off values, a variant classified as benign is not then subjected to further curation. The score for this variant resulted in a classification of benign for this disease.

Ambry Genetics
Classification: Benign for Primary ciliary dyskinesia. Last evaluated: 2014-12-10. Review status: criteria provided, single submitter. Criteria: Ambry Variant Classification Scheme 2023. Collection method: clinical testing. Allele origin: germline.

Laboratory for Molecular Medicine, Mass General Brigham Personalized Medicine
Classification: Benign. Last evaluated: 2013-02-21. Review status: criteria provided, single submitter. Criteria: LMM Criteria. Collection method: clinical testing. Allele origin: germline. Observed: 40 variant alleles.
Comment: Gln2463Arg in exon 44 of DNAH5: This variant is not expected to have clinical si gnificance because it has been identified in 20.5% (1761/8600) of European Ameri can chromosomes from a broad population by the NHLBI Exome Sequencing Project (dbSNP rs10078391).

Breakthrough Genomics
Classification: Benign. Review status: criteria provided, single submitter. Criteria: ACMG Guidelines, 2015. Collection method: not provided. Allele origin: germline. Inheritance: Autosomal recessive inheritance. Affected: yes.

PreventionGenetics, part of Exact Sciences
Classification: Benign. Review status: criteria provided, single submitter. Criteria: ACMG Guidelines, 2015. Collection method: clinical testing. Allele origin: germline.

Natera, Inc.
Classification: Benign for Primary ciliary dyskinesia. Last evaluated: 2020-09-16. Review status: no assertion criteria provided. Collection method: clinical testing. Allele origin: germline. Not counted in ClinVar's aggregate classification.